The following is an entry in ClinVar:

ClinVar aggregate classification (germline): Likely benign. Review status: criteria provided, multiple submitters, no conflicts (2 of 4 stars). 4 submissions from 4 submitters: Likely benign (4). Last evaluated 2023-09-05.

Conditions:
Familial acute necrotizing encephalopathy (IIAE3). Also called: Susceptibility to Acute Necrotizing Encephalopathy 1; ENCEPHALOPATHY, ACUTE, INFECTION-INDUCED, SUSCEPTIBILITY TO, 3. Identifiers: Orphanet 88619, MedGen C2675556, MONDO:0011953, OMIM 608033.

Allele frequency attached by ClinVar (database versions not stated): gnomAD exomes 0.00012 and 0.00033; ExAC 0.00014; gnomAD 0.00014 and 0.00016; ESP Exome Variant Server 0.00015; TOPMed 0.00018.
gnomAD v4.1: 491 of 1,611,482 alleles (0.03%); highest among the groups gnomAD compares: Non-Finnish European, 0.04%; no homozygotes.

Submissions (4):

Blueprint Genetics
Classification: Likely benign. Last evaluated: 2023-09-05. Review status: criteria provided, single submitter. Criteria: ACMG Guidelines, 2015. Collection method: clinical testing. Allele origin: germline.

CeGaT Center for Human Genetics Tuebingen
Classification: Likely benign. Last evaluated: 2023-02-01. Review status: criteria provided, single submitter. Criteria: CeGaT Center For Human Genetics Tuebingen Variant Classification Criteria Version 2. Collection method: clinical testing. Allele origin: germline. Affected: yes. Observed: 1 variant allele.
Comment: RANBP2: BP4, BP7

Labcorp Genetics (formerly Invitae), Labcorp
Classification: Likely benign for Familial acute necrotizing encephalopathy. Last evaluated: 2017-09-28. Review status: criteria provided, single submitter. Criteria: Invitae Variant Classification Sherloc (09022015). Collection method: clinical testing. Allele origin: germline.

Breakthrough Genomics
Classification: Likely benign. Review status: criteria provided, single submitter. Criteria: ACMG Guidelines, 2015. Collection method: not provided. Allele origin: germline. Inheritance: Autosomal dominant inheritance. Affected: yes.

NM_006267.5(RANBP2):c.342A>T (p.Ala114=)

Gene: RANBP2 (RAN binding protein 2; plus strand). Cytogenetic location: 2q13.
Variant type: single nucleotide variant.
Coding change: c.342A>T on transcript NM_006267.5 (MANE Select); coding-DNA position 342, A replaced by T.
Protein change: p.Ala114=; no amino-acid change (alanine 114 retained).
Molecular consequence: synonymous variant.
Genome position (GRCh38, 1-based): chr2:108,731,411, A>T. VCF-style: chr2-108731411-A-T. GRCh37 (hg19) VCF-style: chr2-109347867-A-T.
Identifiers: ClinVar variation 787558 (VCV000787558.33), dbSNP rs140650569, ClinGen allele CA1822004.
Genomic context (GRCh38, chr2:108,731,411, plus strand): 5'-AGATCTTGTGTTGAAGATTGCAGAATTGCTTTGTAAAAATGATGTTACTGATGGAAGAGC[A>T]AAATACTGGCTTGAAAGAGCAGCCAAACTTTTCCCAGGAAGTCCTGCAATTTATAAACTA-3'
Protein context (NP_006258.3, residues 104-124): LCKNDVTDGR[Ala114=]KYWLERAAKL